The following is an entry in ClinVar:

ClinVar aggregate classification (germline): Uncertain significance (1 of 4 stars; one submission).

gnomAD v4.1: 4 of 1,599,380 alleles (0.00025%); highest among the groups gnomAD compares: Admixed American, 0.0067%; no homozygotes.

Submission:

Labcorp Genetics (formerly Invitae), Labcorp
Classification: Uncertain significance. Last evaluated: 2024-06-03. Review status: criteria provided, single submitter. Criteria: Invitae Variant Classification Sherloc (09022015). Collection method: clinical testing. Allele origin: germline.
Comment: This sequence change replaces lysine, which is basic and polar, with arginine, which is basic and polar, at codon 1067 of the PDE3A protein (p.Lys1067Arg). This variant is present in population databases (rs752760438, gnomAD 0.006%). This variant has not been reported in the literature in individuals affected with PDE3A-related conditions. An algorithm developed to predict the effect of missense changes on protein structure and function (PolyPhen-2) suggests that this variant is likely to be tolerated. In summary, the available evidence is currently insufficient to determine the role of this variant in disease. Therefore, it has been classified as a Variant of Uncertain Significance.

NM_000921.5(PDE3A):c.3200A>G (p.Lys1067Arg)

Gene: PDE3A (phosphodiesterase 3A; plus strand). Cytogenetic location: 12p12.2.
Variant type: single nucleotide variant.
Coding change: c.3200A>G on transcript NM_000921.5 (MANE Select); coding-DNA position 3200, A replaced by G.
Protein change: p.Lys1067Arg; replaces lysine 1067 with arginine.
Molecular consequence: missense variant. On other transcripts: synonymous variant (1).
Genome position (GRCh38, 1-based): chr12:20,680,045, A>G. VCF-style: chr12-20680045-A-G. GRCh37 (hg19) VCF-style: chr12-20832979-A-G.
Other names: c.2234A>G, p.Lys745Arg (NM_001244683.2); c.2894A>G, p.Lys965Arg (NM_001378407.1); c.2313A>G, p.Gln771= (NM_001378408.1); short protein forms K1067R, K745R, K965R.
Identifiers: ClinVar variation 3621829 (VCV003621829.2).